The following is an entry in ClinVar:

ClinVar aggregate classification (germline): Pathogenic. Review status: reviewed by expert panel (3 of 4 stars). 2 submissions from 2 submitters: Pathogenic (1). 1 of the submissions does not count toward it. Last evaluated 2016-10-18.

Conditions:
Breast-ovarian cancer, familial, susceptibility to, 1 (BROVCA1). Also called: BRCA1 Hereditary Breast and Ovarian Cancer; OVARIAN CANCER, SUSCEPTIBILITY TO. Identifiers: Orphanet 145, MedGen C2676676, MONDO:0011450, OMIM 604370. Disease mechanism: loss of function.

Submissions (2):

Evidence-based Network for the Interpretation of Germline Mutant Alleles (ENIGMA)
Classification: Pathogenic for Breast-ovarian cancer, familial, susceptibility to, 1. Last evaluated: 2016-10-18. Review status: reviewed by expert panel. Criteria: ENIGMA BRCA1/2 Classification Criteria (2015). Collection method: curation. Allele origin: germline.
Comment: Variant allele predicted to encode a truncated non-functional protein.

Consortium of Investigators of Modifiers of BRCA1/2 (CIMBA), c/o University of Cambridge
Classification: Pathogenic for Breast-ovarian cancer, familial, susceptibility to, 1. Last evaluated: 2015-10-02. Review status: criteria provided, single submitter. Criteria: CIMBA Mutation Classification guidelines May 2016. Collection method: clinical testing. Allele origin: germline. Not counted in ClinVar's aggregate classification.

NM_007294.4(BRCA1):c.5341_5343delinsTG (p.Glu1781fs)

Gene: BRCA1 (BRCA1 DNA repair associated; minus strand). Cytogenetic location: 17q21.31.
Variant type: Indel.
Coding change: c.5341_5343delinsTG on transcript NM_007294.4 (MANE Select); coding-DNA positions 5341 to 5343, GAA replaced by TG.
Protein change: p.Glu1781fs; shifts the reading frame from glutamic acid 1781.
Molecular consequence: frameshift variant. On other transcripts: non-coding transcript variant (1), intron variant (1).
Genome position (GRCh38, 1-based): chr17:43,049,184-43,049,186, TTC replaced by CA on the plus strand (GAA replaced by TG on the coding strand, the reverse complement: BRCA1 is on the minus strand). VCF-style: chr17-43049184-TTC-CA. GRCh37 (hg19) VCF-style: chr17-41201201-TTC-CA.
Other names: 5460_5462delinsTG; c.5263_5265delGAAinsTG, p.Glu1755Cysfs (NM_001407655.1, NM_001407652.1, NM_001407653.1 and 1 more transcripts); c.5260_5262delGAAinsTG, p.Glu1754Cysfs (NM_001407656.1, NM_001407657.1, NM_001407658.1); c.5257_5259delGAAinsTG, p.Glu1753Cysfs (NM_001407659.1, NM_001407660.1, NM_001407661.1 and 2 more transcripts); c.5218_5220delGAAinsTG, p.Glu1740Cysfs (NM_001407664.1, NM_001407665.1, NM_001407666.1 and 3 more transcripts); c.5215_5217delGAAinsTG, p.Glu1739Cysfs (NM_001407670.1, NM_001407671.1, NM_001407672.1 and 8 more transcripts); c.5212_5214delGAAinsTG, p.Glu1738Cysfs (NM_001407681.1, NM_001407682.1, NM_001407683.1 and 5 more transcripts); c.5209_5211delGAAinsTG, p.Glu1737Cysfs (NM_001407690.1, NM_001407691.1); and 76 more; short protein forms E1781fs, E1802fs, E1734fs, E677fs.
Identifiers: ClinVar variation 266547 (VCV000266547.6), dbSNP rs886040291, ClinGen allele CA10589597.